The following is an entry in ClinVar:

ClinVar aggregate classification (germline): Uncertain significance. Review status: criteria provided, multiple submitters, no conflicts (2 of 4 stars). 2 submissions from 2 submitters: Uncertain significance (2). Last evaluated 2026-03-31.

Conditions:
Inborn genetic diseases. Identifiers: MedGen C0950123, MeSH D030342.
Progressive sclerosing poliodystrophy (MTDPS4A). Also called: Alpers-Huttenlocher Syndrome (AHS); ALPERS DIFFUSE DEGENERATION OF CEREBRAL GRAY MATTER WITH HEPATIC CIRRHOSIS; Alpers-Huttenlocher Syndrome; Mitochondrial DNA depletion syndrome 4A (Alpers type); ALPERS PROGRESSIVE INFANTILE POLIODYSTROPHY; Mitochondrial DNA Depletion Syndrome 4A. Identifiers: Orphanet 726, MedGen C0205710, MONDO:0008758, OMIM 203700.

Allele frequency attached by ClinVar (database versions not stated): TOPMed below 0.00001; gnomAD exomes below 0.00001.
gnomAD v4.1: 4 of 1,614,160 alleles (0.00025%); highest among the groups gnomAD compares: African/African-American, 0.0027%; no homozygotes.

Submissions (2):

Ambry Genetics
Classification: Uncertain significance for Inborn genetic diseases. Last evaluated: 2026-03-31. Review status: criteria provided, single submitter. Criteria: Ambry Variant Classification Scheme 2023. Collection method: clinical testing. Allele origin: germline.

Labcorp Genetics (formerly Invitae), Labcorp
Classification: Uncertain significance for Progressive sclerosing poliodystrophy. Last evaluated: 2024-01-08. Review status: criteria provided, single submitter. Criteria: Invitae Variant Classification Sherloc (09022015). Collection method: clinical testing. Allele origin: germline.
Comment: This sequence change replaces proline, which is neutral and non-polar, with leucine, which is neutral and non-polar, at codon 521 of the POLG protein (p.Pro521Leu). This variant is not present in population databases (gnomAD no frequency). This variant has not been reported in the literature in individuals affected with POLG-related conditions. Advanced modeling of protein sequence and biophysical properties (such as structural, functional, and spatial information, amino acid conservation, physicochemical variation, residue mobility, and thermodynamic stability) performed at Invitae indicates that this missense variant is not expected to disrupt POLG protein function with a negative predictive value of 95%. In summary, the available evidence is currently insufficient to determine the role of this variant in disease. Therefore, it has been classified as a Variant of Uncertain Significance.

NM_002693.3(POLG):c.1562C>T (p.Pro521Leu)

Gene: POLG (DNA polymerase gamma, catalytic subunit; minus strand). Cytogenetic location: 15q26.1.
Variant type: single nucleotide variant.
Coding change: c.1562C>T on transcript NM_002693.3 (MANE Select); coding-DNA position 1562, C replaced by T.
Protein change: p.Pro521Leu; replaces proline 521 with leucine.
Molecular consequence: missense variant.
Genome position (GRCh38, 1-based): chr15:89,326,935, G>A on the plus strand (C>T on the coding strand, the complement: POLG is on the minus strand). VCF-style: chr15-89326935-G-A. GRCh37 (hg19) VCF-style: chr15-89870166-G-A.
Other names: c.1562C>T, p.Pro521Leu (NM_001126131.2); short protein forms P521L.
Identifiers: ClinVar variation 2917837 (VCV002917837.4), dbSNP rs2055529067, ClinGen allele CA393760748.
Genomic context (GRCh38, chr15:89,326,935, plus strand): 5'-CCCCTACCCTACCCTACCTCCCACCCATGCTCCCCACCTTCCTGATCCATGGGATCACCA[G>A]GGGCCCCAGCCCCCTCGATGGGCAACTTGCTGGCTGTGGCTGGTTCCTTCTTCACCTTCT-3'
Protein context (NP_002684.1, residues 511-531): SKLPIEGAGA[Pro521Leu]GDPMDQEDLG